The following is an entry in ClinVar:

ClinVar aggregate classification (germline): Uncertain significance (1 of 4 stars; one submission).

Submission:

Labcorp Genetics (formerly Invitae), Labcorp
Classification: Uncertain significance. Last evaluated: 2024-04-29. Review status: criteria provided, single submitter. Criteria: Invitae Variant Classification Sherloc (09022015). Collection method: clinical testing. Allele origin: germline.
Comment: This sequence change replaces cysteine, which is neutral and slightly polar, with serine, which is neutral and polar, at codon 387 of the TGFB1 protein (p.Cys387Ser). This variant is not present in population databases (gnomAD no frequency). This variant has not been reported in the literature in individuals affected with TGFB1-related conditions. Advanced modeling of protein sequence and biophysical properties (such as structural, functional, and spatial information, amino acid conservation, physicochemical variation, residue mobility, and thermodynamic stability) performed at Invitae indicates that this missense variant is expected to disrupt TGFB1 protein function with a positive predictive value of 80%. In summary, the available evidence is currently insufficient to determine the role of this variant in disease. Therefore, it has been classified as a Variant of Uncertain Significance.

NM_000660.7(TGFB1):c.1160G>C (p.Cys387Ser)

Gene: TGFB1 (transforming growth factor beta 1; minus strand). Cytogenetic location: 19q13.2.
Variant type: single nucleotide variant.
Coding change: c.1160G>C on transcript NM_000660.7 (MANE Select); coding-DNA position 1160, G replaced by C.
Protein change: p.Cys387Ser; replaces cysteine 387 with serine.
Molecular consequence: missense variant.
Genome position (GRCh38, 1-based): chr19:41,331,065, C>G on the plus strand (G>C on the coding strand, the complement: TGFB1 is on the minus strand). VCF-style: chr19-41331065-C-G. GRCh37 (hg19) VCF-style: chr19-41836970-C-G.
Other names: short protein forms C387S.
Identifiers: ClinVar variation 2696192 (VCV002696192.3), dbSNP rs2513371748, ClinGen allele CA405997640.